The following is an entry in ClinVar:

ClinVar aggregate classification (germline): Uncertain significance (1 of 4 stars; one submission).

Conditions:
Cardiovascular phenotype. Identifiers: MedGen CN230736.
Hereditary cancer-predisposing syndrome. Also called: Neoplastic Syndromes, Hereditary; Tumor predisposition; Hereditary neoplastic syndrome; Hereditary Cancer Syndrome. Identifiers: Orphanet 140162, MedGen C0027672, MeSH D009386, MONDO:0015356.

Submission:

Ambry Genetics
Classification: Uncertain significance for Cardiovascular phenotype; Hereditary cancer-predisposing syndrome. Last evaluated: 2026-09-07. Review status: criteria provided, single submitter. Criteria: Ambry Variant Classification Scheme 2023. Collection method: clinical testing. Allele origin: germline.
Comment: The p.H389D variant (also known as c.1165C>G), located in coding exon 10 of the NF1 gene, results from a C to G substitution at nucleotide position 1165. The histidine at codon 389 is replaced by aspartic acid, an amino acid with similar properties. This amino acid position is conserved. In addition, the in silico prediction for this alteration is inconclusive. Based on the available evidence, the clinical significance of this variant remains unclear.

NM_001042492.3(NF1):c.1165C>G (p.His389Asp)

Gene: NF1 (neurofibromin 1; plus strand). Cytogenetic location: 17q11.2.
Variant type: single nucleotide variant.
Coding change: c.1165C>G on transcript NM_001042492.3 (MANE Select); coding-DNA position 1165, C replaced by G.
Protein change: p.His389Asp; replaces histidine 389 with aspartic acid.
Molecular consequence: missense variant.
Genome position (GRCh38, 1-based): chr17:31,201,139, C>G. VCF-style: chr17-31201139-C-G. GRCh37 (hg19) VCF-style: chr17-29528157-C-G.
Other names: c.1165C>G, p.His389Asp (NM_000267.4, NM_001128147.3); short protein forms H389D.
Identifiers: ClinVar variation 5025654 (VCV005025654.1).
Genomic context (GRCh38, chr17:31,201,139, plus strand): 5'-CAGCCTGCAGATGTGGATCTAATGATTGACTGCCTTGTTTCTTGCTTTCGTATAAGCCCT[C>G]ACAACAACCAACACTTTAAGGTGAGAGCATTGGTTTTTATCTAACTATATTTACTGATGC-3'
Protein context (NP_001035957.1, residues 379-399): CLVSCFRISP[His389Asp]NNQHFKICLA